The following is an entry in ClinVar:

NM_000135.4(FANCA):c.4116dup (p.Thr1373fs)

Genes: FANCA (FA complementation group A; minus strand), ZNF276 (zinc finger protein 276; plus strand). Cytogenetic location: 16q24.3.
Variant type: Duplication.
Coding change: c.4116dup on transcript NM_000135.4 (MANE Select); coding-DNA position 4116, one base duplicated (T; older notation c.4116dupT).
Protein change: p.Thr1373fs; shifts the reading frame from threonine 1373.
Molecular consequence: frameshift variant. On other transcripts: 3 prime UTR variant (2), non-coding transcript variant (4).
Genome position (GRCh38, 1-based): chr16:89,739,184, A duplicated on the plus strand (T on the coding strand, the reverse complement: FANCA is on the minus strand). VCF-style (leftmost placement, unchanged base first): chr16-89739183-T-TA. GRCh37 (hg19) VCF-style: chr16-89805591-T-TA.
Other names: c.4116dup, p.Thr1373fs (NM_001286167.3); c.*938dup (NM_001113525.2, NM_152287.4); short protein forms T1373fs.
Identifiers: ClinVar variation 1367990 (VCV001367990.7), dbSNP rs1567592815, ClinGen allele CA624454411.
Genomic context (GRCh38, chr16:89,739,183, plus strand): 5'-TTGCACCTGCCTGACCCTTGAGCTCCAGGCTCCTGCCAGCTGGAGGTGAAACTGTGCTTG[T>TA]ATCCCCAGCCACGAAGAGCTGGACCAGCTTCAAGTACATGTCCACAGCAACATGCAGGAA-3'

ClinVar aggregate classification (germline): Pathogenic/Likely pathogenic. Review status: criteria provided, multiple submitters, no conflicts (2 of 4 stars). 2 submissions from 2 submitters: Pathogenic (1); Likely pathogenic (1). Last evaluated 2022-07-05.

Conditions:
Fanconi anemia (FA). Also called: Fanconi's anemia. Identifiers: Orphanet 84, MedGen C0015625, MeSH D005199, MONDO:0019391.
FANCA-related disorders.

Allele frequency attached by ClinVar (database versions not stated): gnomAD exomes below 0.00001.

Submissions (2):

Blueprint Genetics
Classification: Likely pathogenic for FANCA-related disorders. Last evaluated: 2022-07-05. Review status: criteria provided, single submitter. Criteria: ACMG Guidelines, 2015. Collection method: clinical testing. Allele origin: germline. Affected: yes. Observed: 1 variant allele.

Labcorp Genetics (formerly Invitae), Labcorp
Classification: Pathogenic for Fanconi anemia. Last evaluated: 2021-11-08. Review status: criteria provided, single submitter. Criteria: Invitae Variant Classification Sherloc (09022015). Collection method: clinical testing. Allele origin: germline.
Comment: For these reasons, this variant has been classified as Pathogenic. This variant disrupts a region of the FANCA protein in which other variant(s) (p.Asp1427Thrfs*6) have been determined to be pathogenic (PMID: 11091222). This suggests that this is a clinically significant region of the protein, and that variants that disrupt it are likely to be disease-causing. This variant has not been reported in the literature in individuals affected with FANCA-related conditions. This variant is present in population databases (no rsID available, gnomAD 0.006%). This sequence change creates a premature translational stop signal (p.Thr1373Tyrfs*52) in the FANCA gene. While this is not anticipated to result in nonsense mediated decay, it is expected to disrupt the last 83 amino acid(s) of the FANCA protein.

Literature cited by the submitters: PubMed 11091222 (cited by Labcorp Genetics (formerly Invitae), Labcorp).